The following is an entry in ClinVar:

ClinVar aggregate classification (germline): Benign/Likely benign. Review status: criteria provided, multiple submitters, no conflicts (2 of 4 stars). 2 submissions from 2 submitters: Benign (1); Likely benign (1). Last evaluated 2025-04-17.

Allele frequency attached by ClinVar (database versions not stated): gnomAD 0.00001 and 0.00009; TOPMed 0.00002; gnomAD exomes 0.00017 and 0.00032; ExAC 0.00038; 1000 Genomes Project 0.00060; 1000 Genomes Project 30x 0.00078.
gnomAD v4.1: 265 of 1,613,880 alleles (0.016%); highest among the groups gnomAD compares: South Asian, 0.27%; 7 homozygotes.

Submissions (2):

Labcorp Genetics (formerly Invitae), Labcorp
Classification: Benign. Last evaluated: 2025-04-17. Review status: criteria provided, single submitter. Criteria: Invitae Variant Classification Sherloc (09022015). Collection method: clinical testing. Allele origin: germline.

GeneDx
Classification: Likely benign. Last evaluated: 2016-01-19. Review status: criteria provided, single submitter. Criteria: GeneDx Variant Classification (06012015). Collection method: clinical testing. Allele origin: germline. Affected: yes.
Comment: This variant is considered likely benign or benign based on one or more of the following criteria: it is a conservative change, it occurs at a poorly conserved position in the protein, it is predicted to be benign by multiple in silico algorithms, and/or has population frequency not consistent with disease.

NM_018341.3(ERMARD):c.192C>T (p.Tyr64=)

Gene: ERMARD (ER membrane associated RNA degradation; plus strand). Cytogenetic location: 6q27.
Variant type: single nucleotide variant.
Coding change: c.192C>T on transcript NM_018341.3 (MANE Select); coding-DNA position 192, C replaced by T.
Protein change: p.Tyr64=; no amino-acid change (tyrosine 64 retained).
Molecular consequence: synonymous variant. On other transcripts: 5 prime UTR variant (1).
Genome position (GRCh38, 1-based): chr6:169,755,299, C>T. VCF-style: chr6-169755299-C-T. GRCh37 (hg19) VCF-style: chr6-170155395-C-T.
Other names: c.192C>T, p.Tyr64= (NM_001278531.2, NM_001278533.2); c.-187C>T (NM_001278532.2).
Identifiers: ClinVar variation 382931 (VCV000382931.2), dbSNP rs566808113, ClinGen allele CA4105768.